The following is an entry in ClinVar:

NM_001009944.3(PKD1):c.4261G>A (p.Ala1421Thr)

Gene: PKD1 (polycystin 1, transient receptor potential channel interacting; minus strand). Cytogenetic location: 16p13.3.
Variant type: single nucleotide variant.
Coding change: c.4261G>A on transcript NM_001009944.3 (MANE Select); coding-DNA position 4261, G replaced by A.
Protein change: p.Ala1421Thr; replaces alanine 1421 with threonine.
Molecular consequence: missense variant.
Genome position (GRCh38, 1-based): chr16:2,110,906, C>T on the plus strand (G>A on the coding strand, the complement: PKD1 is on the minus strand). VCF-style: chr16-2110906-C-T. GRCh37 (hg19) VCF-style: chr16-2160907-C-T.
Other names: c.4261G>A (NM_000296.3); c.4261G>A, p.Ala1421Thr (NM_000296.4); short protein forms A1421T.
Identifiers: ClinVar variation 4082489 (VCV004082489.3).
Genomic context (GRCh38, chr16:2,110,906, plus strand): 5'-AGGAGCCTGGGTCTCGGTAGATGAACGTCACCTCAGGGCCCCTGGCACGGGTGGGGGCGG[C>T]TTCCTCGGTGCCAAAGTCCCAGGTGTAGCGGTAGGGGAACGGGGGCCAGGCACATGCCAC-3'
Protein context (NP_001009944.3, residues 1411-1431): RYTWDFGTEE[Ala1421Thr]APTRARGPEV

ClinVar aggregate classification (germline): Uncertain significance. Review status: criteria provided, multiple submitters, no conflicts (2 of 4 stars). 2 submissions from 2 submitters: Uncertain significance (2). Last evaluated 2025-11-26.

Conditions:
Inborn genetic diseases. Identifiers: MedGen C0950123, MeSH D030342.

gnomAD v4.1: 6 of 1,611,422 alleles (0.00037%); highest among the groups gnomAD compares: Admixed American, 0.0017%; no homozygotes.

Submissions (2):

Ambry Genetics
Classification: Uncertain significance for Inborn genetic diseases. Last evaluated: 2025-11-26. Review status: criteria provided, single submitter. Criteria: Ambry Variant Classification Scheme 2023. Collection method: clinical testing. Allele origin: germline.

Genetic Services Laboratory, University of Chicago
Classification: Uncertain significance. Last evaluated: 2024-05-28. Review status: criteria provided, single submitter. Criteria: ACMG Guidelines, 2015. Collection method: clinical testing. Allele origin: germline. Affected: no.
Comment: DNA sequence analysis of the PKD1 gene demonstrated a sequence change, c.4261G>A, in exon 15 that results in an amino acid change, p.Ala1421Thr. This sequence change does not appear to have been previously described in individuals with PKD1-related disorders. This sequence change has been described in the gnomAD database with a frequency of 0.001% in the overall population (dbSNP rs571728742). The p.Ala1421Thr change affects a poorly conserved amino acid residue located in a domain of the PKD1 protein that is known to be functional. The p.Ala1421Thr substitution appears to be benign using several in-silico pathogenicity prediction tools (SIFT, PolyPhen2, Align GVGD, REVEL). Due to insufficient evidences and the lack of functional studies, the clinical significance of the p.Ala1421Thr change remains unknown at this time.